The following is an entry in ClinVar:

NM_025074.7(FRAS1):c.2132G>A (p.Cys711Tyr)

Gene: FRAS1 (Fraser extracellular matrix complex subunit 1; plus strand). Cytogenetic location: 4q21.21.
Variant type: single nucleotide variant.
Coding change: c.2132G>A on transcript NM_025074.7 (MANE Select); coding-DNA position 2132, G replaced by A.
Protein change: p.Cys711Tyr; replaces cysteine 711 with tyrosine.
Molecular consequence: missense variant.
Genome position (GRCh38, 1-based): chr4:78,318,981, G>A. VCF-style: chr4-78318981-G-A. GRCh37 (hg19) VCF-style: chr4-79240135-G-A.
Other names: c.2132G>A, p.Cys711Tyr (NM_001166133.2); short protein forms C711Y.
Identifiers: ClinVar variation 349692 (VCV000349692.10), dbSNP rs201740573, ClinGen allele CA2976555.

ClinVar aggregate classification (germline): Uncertain significance. Review status: criteria provided, multiple submitters, no conflicts (2 of 4 stars). 5 submissions from 5 submitters: Uncertain significance (5). Last evaluated 2024-06-13.

Conditions:
Fraser syndrome 1 (FRASRS1). Also called: CRYPTOPHTHALMOS WITH OTHER MALFORMATIONS. Identifiers: Orphanet 2052, MedGen C4551480, MONDO:0054737, OMIM 219000.
Inborn genetic diseases. Identifiers: MedGen C0950123, MeSH D030342.

Allele frequency attached by ClinVar (database versions not stated): gnomAD 0.00017 and 0.00019; TOPMed 0.00018; ExAC 0.00019; gnomAD exomes 0.00020 and 0.00033; ESP Exome Variant Server 0.00049.
gnomAD v4.1: 500 of 1,613,772 alleles (0.031%); highest among the groups gnomAD compares: Non-Finnish European, 0.041%; no homozygotes.

Submissions (5):

Blueprint Genetics
Classification: Uncertain significance. Last evaluated: 2024-06-13. Review status: criteria provided, single submitter. Criteria: ACMG Guidelines, 2015. Collection method: clinical testing. Allele origin: germline.

Fulgent Genetics
Classification: Uncertain significance for Fraser syndrome 1. Last evaluated: 2024-05-10. Review status: criteria provided, single submitter. Criteria: ACMG Guidelines, 2015. Collection method: clinical testing. Allele origin: germline.

Labcorp Genetics (formerly Invitae), Labcorp
Classification: Uncertain significance. Last evaluated: 2022-05-28. Review status: criteria provided, single submitter. Criteria: Invitae Variant Classification Sherloc (09022015). Collection method: clinical testing. Allele origin: germline.
Comment: This sequence change replaces cysteine, which is neutral and slightly polar, with tyrosine, which is neutral and polar, at codon 711 of the FRAS1 protein (p.Cys711Tyr). This variant is present in population databases (rs201740573, gnomAD 0.04%). This variant has not been reported in the literature in individuals affected with FRAS1-related conditions. ClinVar contains an entry for this variant (Variation ID: 349692). Algorithms developed to predict the effect of missense changes on protein structure and function are either unavailable or do not agree on the potential impact of this missense change (SIFT: "Deleterious"; PolyPhen-2: "Probably Damaging"; Align-GVGD: "Class C0"). In summary, the available evidence is currently insufficient to determine the role of this variant in disease. Therefore, it has been classified as a Variant of Uncertain Significance.

Ambry Genetics
Classification: Uncertain significance for Inborn genetic diseases. Last evaluated: 2021-09-16. Review status: criteria provided, single submitter. Criteria: Ambry Variant Classification Scheme 2023. Collection method: clinical testing. Allele origin: germline.

Illumina Laboratory Services, Illumina
Classification: Uncertain significance for Fraser syndrome 1. Last evaluated: 2018-01-12. Review status: criteria provided, single submitter. Criteria: ICSL Variant Classification Criteria 13 December 2019. Collection method: clinical testing. Allele origin: germline.